The following is an entry in ClinVar:

NM_013352.4(DSE):c.2619_2621del (p.Gly874del)

Gene: DSE (dermatan sulfate epimerase; plus strand). Cytogenetic location: 6q22.1.
Variant type: Deletion.
Coding change: c.2619_2621del on transcript NM_013352.4 (MANE Select); coding-DNA positions 2619 to 2621, 3 bases deleted (GGG; older notation c.2619_2621delGGG).
Protein change: p.Gly874del; deletes glycine 874.
Molecular consequence: inframe deletion. On other transcripts: 3 prime UTR variant (2), non-coding transcript variant (1).
Genome position (GRCh38, 1-based): chr6:116,437,087-116,437,089, GGG deleted; deleting any 3 consecutive bases within chr6:116,437,085-116,437,089 gives the same sequence; the c. name uses the placement nearest the transcript's 3' end. VCF-style (leftmost placement, unchanged base first): chr6-116437084-TGGG-T. GRCh37 (hg19) VCF-style: chr6-116758247-TGGG-T.
Other names: p.Gly874del; c.2619_2621delGGG (NM_013352.4); c.2617_2619delGGG (NM_013352.2); c.2619_2621del (NM_013352.3); c.2619_2621del, p.Gly874del (NM_001080976.3, NM_001322937.2, NM_001322938.2); c.2676_2678del, p.Gly893del (NM_001322939.2); c.2058_2060del, p.Gly687del (NM_001322940.2, NM_001322941.2); c.*1484_*1486del (NM_001322943.2, NM_001322944.2); and 2 more; short protein forms G874del, G893del, G687del, G529del, G541del.
Identifiers: ClinVar variation 474683 (VCV000474683.23), dbSNP rs111252008, ClinGen allele CA3969844.
Genomic context (GRCh38, chr6:116,437,084, plus strand): 5'-AGATGAAGAAATGAAAGACCTTTTAGATTTTGCAGATGTAACATACGAGAAACATAAAAA[TGGG>T]GGCTTGATTAAAGGCCGGTTTGGACAGGCACGGATGGTGACAACTACACACAGCAGGGCC-3'

ClinVar aggregate classification (germline): Benign/Likely benign. Review status: criteria provided, multiple submitters, no conflicts (2 of 4 stars). 7 submissions from 6 submitters: Benign (4); Likely benign (1). 2 of the submissions do not count toward it. Last evaluated 2026-04-06.

Conditions:
Ehlers-Danlos syndrome, musculocontractural type 2 (EDSMC2). Identifiers: Orphanet 2953, MedGen C3809845, MONDO:0014236, OMIM 615539.
Ehlers-Danlos syndrome (EDS). Identifiers: Orphanet 98249, MedGen C0013720, MONDO:0020066.
DSE-related disorder. Also called: DSE-related condition.

Submissions (7):

Women's Health and Genetics/Laboratory Corporation of America, LabCorp
Classification: Likely benign. Last evaluated: 2026-04-06. Review status: criteria provided, single submitter. Criteria: LabCorp Variant Classification Summary - May 2015. Collection method: clinical testing. Allele origin: germline.

Labcorp Genetics (formerly Invitae), Labcorp
Classification: Benign for Ehlers-Danlos syndrome, musculocontractural type 2. Last evaluated: 2026-02-02. Review status: criteria provided, single submitter. Criteria: Invitae Variant Classification Sherloc (09022015). Collection method: clinical testing. Allele origin: germline.

Mayo Clinic Laboratories, Mayo Clinic
Classification: Benign. Last evaluated: 2023-03-31. Review status: criteria provided, single submitter. Criteria: ACMG Guidelines, 2015. Collection method: clinical testing. Allele origin: germline. Observed: 17 variant alleles.
Comment: BA1

Genome Diagnostics Laboratory, The Hospital for Sick Children
Classification: Benign for Ehlers-Danlos syndrome. Last evaluated: 2022-03-17. Review status: criteria provided, single submitter. Criteria: ACMG Guidelines, 2015. Collection method: clinical testing. Allele origin: germline.

GeneDx
Classification: Benign. Last evaluated: 2018-04-05. Review status: criteria provided, single submitter. Criteria: GeneDx Variant Classification Process June 2021. Collection method: clinical testing. Allele origin: germline. Affected: yes.

PreventionGenetics, part of Exact Sciences
Classification: Benign for DSE-related condition. Last evaluated: 2019-05-02. Review status: no assertion criteria provided. Collection method: clinical testing. Allele origin: germline. Not counted in ClinVar's aggregate classification.
Comment: This variant is classified as benign based on ACMG/AMP sequence variant interpretation guidelines (Richards et al. 2015 PMID: 25741868, with internal and published modifications).

GeneDx
Classification: Benign. Last evaluated: 2017-05-31. Review status: flagged submission. Criteria: GeneDx Variant Classification Process June 2021. Collection method: clinical testing. Allele origin: germline. Affected: yes. Not counted in ClinVar's aggregate classification.
ClinVar note: Reason: This record appears to be redundant with a more recent record from the same submitter.
ClinVar note: Notes: SCV001843180 appears to be redundant with SCV000714893.